The following is an entry in ClinVar:

NM_003072.5(SMARCA4):c.1699C>A (p.Leu567Met)

Gene: SMARCA4 (SWI/SNF related BAF chromatin remodeling complex subunit ATPase 4; plus strand). Cytogenetic location: 19p13.2.
Variant type: single nucleotide variant.
Coding change: c.1699C>A on transcript NM_003072.5 (MANE Select); coding-DNA position 1699, C replaced by A.
Protein change: p.Leu567Met; replaces leucine 567 with methionine.
Molecular consequence: missense variant. On other transcripts: non-coding transcript variant (1).
Genome position (GRCh38, 1-based): chr19:10,996,318, C>A. VCF-style: chr19-10996318-C-A. GRCh37 (hg19) VCF-style: chr19-11106994-C-A.
Other names: c.1699C>A, p.Leu567Met (NM_001128844.3, NM_001128845.2, NM_001128846.2 and 6 more transcripts); short protein forms L567M.
Identifiers: ClinVar variation 2963306 (VCV002963306.3), dbSNP rs2145972488, ClinGen allele CA404064450.

ClinVar aggregate classification (germline): Uncertain significance (1 of 4 stars; one submission).

Conditions:
Rhabdoid tumor predisposition syndrome 2 (RTPS2). Identifiers: Orphanet 231108, Orphanet 69077, MedGen C2750074, MONDO:0013224, OMIM 613325.

Submission:

Labcorp Genetics (formerly Invitae), Labcorp
Classification: Uncertain significance for Rhabdoid tumor predisposition syndrome 2. Last evaluated: 2023-02-11. Review status: criteria provided, single submitter. Criteria: Invitae Variant Classification Sherloc (09022015). Collection method: clinical testing. Allele origin: germline.
Comment: This sequence change replaces leucine, which is neutral and non-polar, with methionine, which is neutral and non-polar, at codon 567 of the SMARCA4 protein (p.Leu567Met). This variant is not present in population databases (gnomAD no frequency). This variant has not been reported in the literature in individuals affected with SMARCA4-related conditions. Advanced modeling of protein sequence and biophysical properties (such as structural, functional, and spatial information, amino acid conservation, physicochemical variation, residue mobility, and thermodynamic stability) performed at Invitae indicates that this missense variant is not expected to disrupt SMARCA4 protein function. In summary, the available evidence is currently insufficient to determine the role of this variant in disease. Therefore, it has been classified as a Variant of Uncertain Significance.